The following is an entry in ClinVar:

ClinVar aggregate classification (germline): Uncertain significance (1 of 4 stars; one submission).

Allele frequency attached by ClinVar (database versions not stated): ExAC 0.00001; gnomAD 0.00001; gnomAD exomes 0.00001; TOPMed 0.00001.
gnomAD v4.1: 25 of 1,612,334 alleles (0.0016%); highest among the groups gnomAD compares: Admixed American, 0.0017%; no homozygotes.

Submission:

Labcorp Genetics (formerly Invitae), Labcorp
Classification: Uncertain significance. Last evaluated: 2025-12-15. Review status: criteria provided, single submitter. Criteria: Invitae Variant Classification Sherloc (09022015). Collection method: clinical testing. Allele origin: germline.
Comment: This sequence change replaces valine, which is neutral and non-polar, with isoleucine, which is neutral and non-polar, at codon 216 of the ASRGL1 protein (p.Val216Ile). The frequency data for this variant in the population databases is considered unreliable, as metrics indicate poor data quality at this position in the gnomAD database. This variant has not been reported in the literature in individuals affected with ASRGL1-related conditions. ClinVar contains an entry for this variant (Variation ID: 1927426). An algorithm developed to predict the effect of missense changes on protein structure and function outputs the following: PolyPhen-2: "Benign". The isoleucine amino acid residue is found in multiple mammalian species, which suggests that this missense change does not adversely affect protein function. In summary, the available evidence is currently insufficient to determine the role of this variant in disease. Therefore, it has been classified as a Variant of Uncertain Significance.

NM_001083926.2(ASRGL1):c.646G>A (p.Val216Ile)

Gene: ASRGL1 (asparaginase and isoaspartyl peptidase 1; plus strand). Cytogenetic location: 11q12.3.
Variant type: single nucleotide variant.
Coding change: c.646G>A on transcript NM_001083926.2 (MANE Select); coding-DNA position 646, G replaced by A.
Protein change: p.Val216Ile; replaces valine 216 with isoleucine.
Molecular consequence: missense variant.
Genome position (GRCh38, 1-based): chr11:62,391,557, G>A. VCF-style: chr11-62391557-G-A. GRCh37 (hg19) VCF-style: chr11-62159029-G-A.
Other names: c.646G>A, p.Val216Ile (NM_025080.4); short protein forms V216I.
Identifiers: ClinVar variation 1927426 (VCV001927426.5), dbSNP rs777549556, ClinGen allele CA6043303.